The following is an entry in ClinVar:

ClinVar aggregate classification (germline): Uncertain significance (1 of 4 stars; one submission).

Submission:

Labcorp Genetics (formerly Invitae), Labcorp
Classification: Uncertain significance. Last evaluated: 2023-09-26. Review status: criteria provided, single submitter. Criteria: Invitae Variant Classification Sherloc (09022015). Collection method: clinical testing. Allele origin: germline.
Comment: This sequence change falls in intron 13 of the UNC45A gene. It does not directly change the encoded amino acid sequence of the UNC45A protein. It affects a nucleotide within the consensus splice site. This variant is not present in population databases (gnomAD no frequency). This variant has not been reported in the literature in individuals affected with UNC45A-related conditions. Variants that disrupt the consensus splice site are a relatively common cause of aberrant splicing (PMID: 17576681, 9536098). Algorithms developed to predict the effect of sequence changes on RNA splicing suggest that this variant may create or strengthen a splice site. In summary, the available evidence is currently insufficient to determine the role of this variant in disease. Therefore, it has been classified as a Variant of Uncertain Significance.

Literature cited by the submitters: PubMed 17576681; PubMed 9536098.

NM_018671.5(UNC45A):c.1878+4_1878+6del

Gene: UNC45A (unc-45 myosin chaperone A; plus strand). Cytogenetic location: 15q26.1.
Variant type: Deletion.
Coding change: c.1878+4_1878+6del on transcript NM_018671.5 (MANE Select); bases 4 to 6 of the intron after coding-DNA position 1878, 3 bases deleted (AGG; older notation c.1878+4_1878+6delAGG).
Molecular consequence: intron variant.
Genome position (GRCh38, 1-based): chr15:90,948,798-90,948,800, AGG deleted; deleting any 3 consecutive bases within chr15:90,948,797-90,948,800 gives the same sequence; the c. name uses the placement nearest the transcript's 3' end. VCF-style (leftmost placement, unchanged base first): chr15-90948796-TGAG-T. GRCh37 (hg19) VCF-style: chr15-91492026-TGAG-T.
Other names: c.1833+4_1833+6del (NM_001039675.2, NM_001323621.2); c.1878+4_1878+6del (NM_001323619.1); c.1443+4_1443+6del (NM_001323620.2).
Identifiers: ClinVar variation 2740682 (VCV002740682.2), dbSNP rs2036722220, ClinGen allele CA2195371014.